The following is an entry in ClinVar:

NM_025132.4(WDR19):c.1841A>G (p.Tyr614Cys)

Gene: WDR19 (WD repeat domain 19; plus strand). Cytogenetic location: 4p14.
Variant type: single nucleotide variant.
Coding change: c.1841A>G on transcript NM_025132.4 (MANE Select); coding-DNA position 1841, A replaced by G.
Protein change: p.Tyr614Cys; replaces tyrosine 614 with cysteine.
Molecular consequence: missense variant.
Genome position (GRCh38, 1-based): chr4:39,228,549, A>G. VCF-style: chr4-39228549-A-G. GRCh37 (hg19) VCF-style: chr4-39230169-A-G.
Other names: c.1361A>G, p.Tyr454Cys (NM_001317924.2); c.1841A>G (NM_025132.3); short protein forms Y454C, Y614C.
Identifiers: ClinVar variation 1428451 (VCV001428451.15), dbSNP rs780273002, ClinGen allele CA2891950.

ClinVar aggregate classification (germline): Uncertain significance. Review status: criteria provided, multiple submitters, no conflicts (2 of 4 stars). 5 submissions from 5 submitters: Uncertain significance (5). Last evaluated 2025-11-01.

Conditions:
Nephronophthisis 13 (NPHP13). Identifiers: Orphanet 655, MedGen C3280612, MONDO:0013718, OMIM 614377.
Cranioectodermal dysplasia 4 (CED4). Identifiers: Orphanet 1515, MedGen C3280616, MONDO:0013719, OMIM 614378.
Asphyxiating thoracic dystrophy 5 (SRTD5). Also called: SHORT-RIB THORACIC DYSPLASIA 5 WITH OR WITHOUT POLYDACTYLY; SHORT-RIB THORACIC DYSPLASIA 5 WITHOUT POLYDACTYLY. Identifiers: Orphanet 474, MedGen C3280598, MONDO:0013717, OMIM 614376.
Spermatogenic failure 72 (SPGF72). Identifiers: MedGen C5676980, MONDO:0030809, OMIM 619867.
Senior-Loken syndrome 8 (SLSN8). Identifiers: Orphanet 3156, MedGen C4225376, MONDO:0014579, OMIM 616307.

Allele frequency attached by ClinVar (database versions not stated): ExAC 0.00001; gnomAD exomes 0.00001 and 0.00003; TOPMed 0.00001.
gnomAD v4.1: 38 of 1,613,992 alleles (0.0024%); highest among the groups gnomAD compares: Non-Finnish European, 0.0032%; no homozygotes.

Submissions (5):

CeGaT Center for Human Genetics Tuebingen
Classification: Uncertain significance. Last evaluated: 2025-11-01. Review status: criteria provided, single submitter. Criteria: CeGaT Center For Human Genetics Tuebingen Variant Classification Criteria Version 2. Collection method: clinical testing. Allele origin: germline. Affected: yes. Observed: 1 variant allele.
Comment: WDR19: PM2

Labcorp Genetics (formerly Invitae), Labcorp
Classification: Uncertain significance for Senior-Loken syndrome 8; Asphyxiating thoracic dystrophy 5. Last evaluated: 2024-12-02. Review status: criteria provided, single submitter. Criteria: Invitae Variant Classification Sherloc (09022015). Collection method: clinical testing. Allele origin: germline.
Comment: This sequence change replaces tyrosine, which is neutral and polar, with cysteine, which is neutral and slightly polar, at codon 614 of the WDR19 protein (p.Tyr614Cys). This variant is present in population databases (rs780273002, gnomAD 0.004%). This variant has not been reported in the literature in individuals affected with WDR19-related conditions. ClinVar contains an entry for this variant (Variation ID: 1428451). Invitae Evidence Modeling of protein sequence and biophysical properties (such as structural, functional, and spatial information, amino acid conservation, physicochemical variation, residue mobility, and thermodynamic stability) indicates that this missense variant is not expected to disrupt WDR19 protein function with a negative predictive value of 80%. In summary, the available evidence is currently insufficient to determine the role of this variant in disease. Therefore, it has been classified as a Variant of Uncertain Significance.

Genetic Services Laboratory, University of Chicago
Classification: Uncertain significance. Last evaluated: 2023-05-17. Review status: criteria provided, single submitter. Criteria: ACMG Guidelines, 2015. Collection method: clinical testing. Allele origin: germline. Affected: no.
Comment: DNA sequence analysis of the WDR19 gene demonstrated a sequence change, c.1841A>G, in exon 17 that results in an amino acid change, p.Tyr614Cys. This sequence change has been described in the gnomAD database in three individuals corresponding to a population frequency of 0.0012% (dbSNP rs780273002). The p.Tyr614Cys change affects a poorly conserved amino acid residue located in a domain of the WDR19 protein that is not known to be functional. The p.Tyr614Cys substitution appears to be benign using several in-silico pathogenicity prediction tools (SIFT, PolyPhen2, Align GVGD, REVEL). This sequence change does not appear to have been previously described in individuals with WDR19-related disorders. Due to insufficient evidences and the lack of functional studies, the clinical significance of the p.Tyr614Cys change remains unknown at this time.

Blueprint Genetics
Classification: Uncertain significance. Last evaluated: 2023-04-18. Review status: criteria provided, single submitter. Criteria: ACMG Guidelines, 2015. Collection method: clinical testing. Allele origin: germline.

Fulgent Genetics
Classification: Uncertain significance for Asphyxiating thoracic dystrophy 5; Nephronophthisis 13; Cranioectodermal dysplasia 4; Senior-Loken syndrome 8; Spermatogenic failure 72. Last evaluated: 2021-09-27. Review status: criteria provided, single submitter. Criteria: ACMG Guidelines, 2015. Collection method: clinical testing. Allele origin: unknown.